The following is an entry in ClinVar:

NM_001378418.1(TCF20):c.1173G>T (p.Gln391His)

Gene: TCF20 (transcription factor 20; minus strand). Cytogenetic location: 22q13.2.
Variant type: single nucleotide variant.
Coding change: c.1173G>T on transcript NM_001378418.1 (MANE Select); coding-DNA position 1173, G replaced by T.
Protein change: p.Gln391His; replaces glutamine 391 with histidine.
Molecular consequence: missense variant.
Genome position (GRCh38, 1-based): chr22:42,214,133, C>A on the plus strand (G>T on the coding strand, the complement: TCF20 is on the minus strand). VCF-style: chr22-42214133-C-A. GRCh37 (hg19) VCF-style: chr22-42610139-C-A.
Other names: c.1173G>T, p.Gln391His (NM_005650.4, NM_181492.3); c.1173G>T (NM_005650.1); short protein forms Q391H.
Identifiers: ClinVar variation 3694783 (VCV003694783.5).

ClinVar aggregate classification (germline): Uncertain significance. Review status: criteria provided, multiple submitters, no conflicts (2 of 4 stars). 3 submissions from 3 submitters: Uncertain significance (3). Last evaluated 2025-12-03.

Conditions:
Inborn genetic diseases. Identifiers: MedGen C0950123, MeSH D030342.

gnomAD v4.1: 7 of 1,614,094 alleles (0.00043%); highest among the groups gnomAD compares: Admixed American, 0.0067%; no homozygotes.

Submissions (3):

Dasa
Classification: Uncertain significance. Last evaluated: 2025-12-03. Review status: criteria provided, single submitter. Criteria: DASA Assertion Criteria. Collection method: clinical testing. Allele origin: germline.
Comment: NM_001378418.1(TCF20):c.1173G>T (p.Gln391His) is a missense variant that results in the substitution of glutamine with histidine. This variant is rare in population databases. Computational prediction algorithms are consistent with a benign effect. The currently available literature and clinical evidence are not sufficient to establish a definitive association between this variant and the reported condition. Therefore, this variant is classified as a variant of uncertain significance.

Ambry Genetics
Classification: Uncertain significance for Inborn genetic diseases. Last evaluated: 2025-11-08. Review status: criteria provided, single submitter. Criteria: Ambry Variant Classification Scheme 2023. Collection method: clinical testing. Allele origin: germline.

Labcorp Genetics (formerly Invitae), Labcorp
Classification: Uncertain significance. Last evaluated: 2024-10-31. Review status: criteria provided, single submitter. Criteria: Invitae Variant Classification Sherloc (09022015). Collection method: clinical testing. Allele origin: germline.
Comment: This sequence change replaces glutamine, which is neutral and polar, with histidine, which is basic and polar, at codon 391 of the TCF20 protein (p.Gln391His). This variant is present in population databases (rs746200891, gnomAD 0.01%). This variant has not been reported in the literature in individuals affected with TCF20-related conditions. An algorithm developed to predict the effect of missense changes on protein structure and function (PolyPhen-2) suggests that this variant is likely to be disruptive. In summary, the available evidence is currently insufficient to determine the role of this variant in disease. Therefore, it has been classified as a Variant of Uncertain Significance.